The following is an entry in ClinVar:

ClinVar aggregate classification (germline): Uncertain significance (1 of 4 stars; one submission).

Conditions:
Familial thoracic aortic aneurysm and aortic dissection (TAAD). Also called: Thoracic aortic aneurysms and dissections. Identifiers: Orphanet 91387, MedGen C4707243, MONDO:0019625.

gnomAD v4.1: 2 of 1,611,136 alleles (0.00012%); highest among the groups gnomAD compares: African/African-American, 0.0013%; no homozygotes.

Submission:

Ambry Genetics
Classification: Uncertain significance for Familial thoracic aortic aneurysm and aortic dissection. Last evaluated: 2026-01-12. Review status: criteria provided, single submitter. Criteria: Ambry Variant Classification Scheme 2023. Collection method: clinical testing. Allele origin: germline.
Comment: The p.L17S variant (also known as c.50T>C), located in coding exon 1 of the COL5A2 gene, results from a T to C substitution at nucleotide position 50. The leucine at codon 17 is replaced by serine, an amino acid with dissimilar properties. This amino acid position is conserved. In addition, the in silico prediction for this alteration is inconclusive. Based on the available evidence, the clinical significance of this variant remains unclear.

NM_000393.5(COL5A2):c.50T>C (p.Leu17Ser)

Gene: COL5A2 (collagen type V alpha 2 chain; minus strand). Cytogenetic location: 2q32.2.
Variant type: single nucleotide variant.
Coding change: c.50T>C on transcript NM_000393.5 (MANE Select); coding-DNA position 50, T replaced by C.
Protein change: p.Leu17Ser; replaces leucine 17 with serine.
Molecular consequence: missense variant.
Genome position (GRCh38, 1-based): chr2:189,179,555, A>G on the plus strand (T>C on the coding strand, the complement: COL5A2 is on the minus strand). VCF-style: chr2-189179555-A-G. GRCh37 (hg19) VCF-style: chr2-190044281-A-G.
Other names: short protein forms L17S.
Identifiers: ClinVar variation 4842229 (VCV004842229.1).
Genomic context (GRCh38, chr2:189,179,555, plus strand): 5'-ATGGCAAACTCACCATCCTCGTCTTCTTCCTGGGCTTTTATTGAGACAAATTGCCCTAAT[A>G]AAACAATAAGAATGAGGAGAGGTCTTGCTTCCGCCCAGTTTGCCATCATGTCTAAATATT-3'
Protein context (NP_000384.2, residues 7-27): EARPLLILIV[Leu17Ser]LGQFVSIKAQ